The following is an entry in ClinVar:

ClinVar aggregate classification (germline): Conflicting classifications of pathogenicity. Review status: criteria provided, conflicting classifications (1 of 4 stars). 3 submissions from 3 submitters: Uncertain significance (1); Likely benign (1). 1 of the submissions does not count toward it. Last evaluated 2024-01-16.

Conditions:
Familial cancer of breast. Also called: BREAST CANCER, FAMILIAL; hereditary breast carcinoma; Hereditary breast cancer. Identifiers: Orphanet 227535, MedGen C0346153, MONDO:0016419, OMIM 114480. Disease mechanism: loss of function.
Hereditary cancer-predisposing syndrome. Also called: Hereditary Cancer Syndrome; Hereditary neoplastic syndrome; Neoplastic Syndromes, Hereditary; Tumor predisposition. Identifiers: Orphanet 140162, MedGen C0027672, MeSH D009386, MONDO:0015356.
Carcinoma of colon (CRC). Also called: Colonic carcinoma; Colon carcinoma. Identifiers: MedGen C0699790, MONDO:0002032.

Allele frequency attached by ClinVar (database versions not stated): gnomAD exomes below 0.00001.

Submissions (3):

Ambry Genetics
Classification: Likely benign for Hereditary cancer-predisposing syndrome. Last evaluated: 2024-01-16. Review status: criteria provided, single submitter. Criteria: Ambry Variant Classification Scheme 2023. Collection method: clinical testing. Allele origin: germline.

Labcorp Genetics (formerly Invitae), Labcorp
Classification: Uncertain significance for Familial cancer of breast. Last evaluated: 2021-04-17. Review status: criteria provided, single submitter. Criteria: Invitae Variant Classification Sherloc (09022015). Collection method: clinical testing. Allele origin: germline.
Comment: In summary, the available evidence is currently insufficient to determine the role of this variant in disease. Therefore, it has been classified as a Variant of Uncertain Significance. Algorithms developed to predict the effect of missense changes on protein structure and function (SIFT, PolyPhen-2, Align-GVGD) all suggest that this variant is likely to be tolerated, but these predictions have not been confirmed by published functional studies and their clinical significance is uncertain. This variant has not been reported in the literature in individuals with PALB2-related conditions. ClinVar contains an entry for this variant (Variation ID: 830095). This variant is not present in population databases (ExAC no frequency). This sequence change replaces isoleucine with threonine at codon 76 of the PALB2 protein (p.Ile76Thr). The isoleucine residue is weakly conserved and there is a moderate physicochemical difference between isoleucine and threonine.

Leiden Open Variation Database
Classification: Uncertain significance for Colorectal cancer. Last evaluated: 2017-01-31. Review status: no assertion criteria provided. Collection method: curation. Allele origin: germline. Affected: yes. Not counted in ClinVar's aggregate classification.
Comment: Curators: Marc Tischkowitz, Arleen D. Auerbach. Submitter to LOVD: Melissa DeRycke.

NM_024675.4(PALB2):c.227T>C (p.Ile76Thr)

Gene: PALB2 (partner and localizer of BRCA2; minus strand). Cytogenetic location: 16p12.2.
Variant type: single nucleotide variant.
Coding change: c.227T>C on transcript NM_024675.4 (MANE Select); coding-DNA position 227, T replaced by C.
Protein change: p.Ile76Thr; replaces isoleucine 76 with threonine.
Molecular consequence: missense variant.
Genome position (GRCh38, 1-based): chr16:23,636,319, A>G on the plus strand (T>C on the coding strand, the complement: PALB2 is on the minus strand). VCF-style: chr16-23636319-A-G. GRCh37 (hg19) VCF-style: chr16-23647640-A-G.
Other names: short protein forms I76T.
Identifiers: ClinVar variation 830095 (VCV000830095.10), dbSNP rs1967061407, ClinGen allele CA395138956.
Genomic context (GRCh38, chr16:23,636,319, plus strand): 5'-GTCTTTTCTCCAGTTTCTTCATCAAGATGGGTTTTGATGTGTAACTTGTCATAAACACAT[A>G]TTTTATTTTTAGGTTCTGAGGAGGAAAAAAATGTATATAACTTATATTTTTCTTATAAAA-3'
Protein context (NP_078951.2, residues 66-86): QLKHSEPKNK[Ile76Thr]CVYDKLHIKT